The following is an entry in ClinVar:

ClinVar aggregate classification (germline): Pathogenic (1 of 4 stars; one submission).

Submission:

Labcorp Genetics (formerly Invitae), Labcorp
Classification: Pathogenic. Last evaluated: 2024-02-25. Review status: criteria provided, single submitter. Criteria: Invitae Variant Classification Sherloc (09022015). Collection method: clinical testing. Allele origin: germline.
Comment: This sequence change creates a premature translational stop signal (p.Gly752Valfs*13) in the CDH23 gene. It is expected to result in an absent or disrupted protein product. Loss-of-function variants in CDH23 are known to be pathogenic (PMID: 11138009, 21940737). This variant is not present in population databases (gnomAD no frequency). This variant has not been reported in the literature in individuals affected with CDH23-related conditions. ClinVar contains an entry for this variant (Variation ID: 841382). For these reasons, this variant has been classified as Pathogenic.

Literature cited by the submitters: PubMed 11138009; PubMed 21940737.

NM_022124.6(CDH23):c.2255del (p.Gly752fs)

Gene: CDH23 (cadherin related 23; plus strand). Cytogenetic location: 10q22.1.
Variant type: Deletion.
Coding change: c.2255del on transcript NM_022124.6 (MANE Select); coding-DNA position 2255, one base deleted (G; older notation c.2255delG).
Protein change: p.Gly752fs; shifts the reading frame from glycine 752.
Molecular consequence: frameshift variant.
Genome position (GRCh38, 1-based): chr10:71,694,225, G deleted; the last of 5 consecutive G bases (chr10:71,694,221-71,694,225); deleting any one gives the same sequence. VCF-style (leftmost placement, unchanged base first): chr10-71694220-CG-C. GRCh37 (hg19) VCF-style: chr10-73453977-CG-C.
Other names: c.2255del, p.Gly752fs (NM_001171930.2, NM_001171931.2); short protein forms G752fs.
Identifiers: ClinVar variation 841382 (VCV000841382.7), dbSNP rs34432586, ClinGen allele CA916083141.